The following is an entry in ClinVar:

NM_001904.4(CTNNB1):c.773C>G (p.Thr258Ser)

Gene: CTNNB1 (catenin beta 1; plus strand). Cytogenetic location: 3p22.1.
Variant type: single nucleotide variant.
Coding change: c.773C>G on transcript NM_001904.4 (MANE Select); coding-DNA position 773, C replaced by G.
Protein change: p.Thr258Ser; replaces threonine 258 with serine.
Molecular consequence: missense variant.
Genome position (GRCh38, 1-based): chr3:41,225,698, C>G. VCF-style: chr3-41225698-C-G. GRCh37 (hg19) VCF-style: chr3-41267189-C-G.
Other names: c.773C>G, p.Thr258Ser (NM_001098209.2, NM_001098210.2, NM_001438871.1 and 4 more transcripts); c.752C>G, p.Thr251Ser (NM_001330729.2); short protein forms T258S, T251S.
Identifiers: ClinVar variation 4745822 (VCV004745822.1).

ClinVar aggregate classification (germline): Uncertain significance (1 of 4 stars; one submission).

Submission:

Labcorp Genetics (formerly Invitae), Labcorp
Classification: Uncertain significance. Last evaluated: 2025-04-08. Review status: criteria provided, single submitter. Criteria: Invitae Variant Classification Sherloc (09022015). Collection method: clinical testing. Allele origin: germline.
Comment: This sequence change replaces threonine, which is neutral and polar, with serine, which is neutral and polar, at codon 258 of the CTNNB1 protein (p.Thr258Ser). This variant is not present in population databases (gnomAD no frequency). This variant has not been reported in the literature in individuals affected with CTNNB1-related conditions. Invitae Evidence Modeling of protein sequence and biophysical properties (such as structural, functional, and spatial information, amino acid conservation, physicochemical variation, residue mobility, and thermodynamic stability) indicates that this missense variant is expected to disrupt CTNNB1 protein function with a positive predictive value of 80%. In summary, the available evidence is currently insufficient to determine the role of this variant in disease. Therefore, it has been classified as a Variant of Uncertain Significance.